The following is an entry in ClinVar:

ClinVar aggregate classification (germline): Uncertain significance. Review status: criteria provided, multiple submitters, no conflicts (2 of 4 stars). 2 submissions from 2 submitters: Uncertain significance (2). Last evaluated 2025-04-23.

gnomAD v4.1: 2 of 1,209,094 alleles (0.00017%); highest among the groups gnomAD compares: Admixed American, 0.0022%; no homozygotes.

Submissions (2):

GeneDx
Classification: Uncertain significance. Last evaluated: 2025-04-23. Review status: criteria provided, single submitter. Criteria: GeneDx Variant Classification Process June 2021. Collection method: clinical testing. Allele origin: germline. Affected: yes.
Comment: Not observed at significant frequency in large population cohorts (gnomAD); In silico analysis supports that this missense variant has a deleterious effect on protein structure/function; Has not been previously published as pathogenic or benign to our knowledge

Blueprint Genetics
Classification: Uncertain significance. Last evaluated: 2022-02-16. Review status: criteria provided, single submitter. Criteria: ACMG Guidelines, 2015. Collection method: clinical testing. Allele origin: germline.

NM_004699.4(FAM50A):c.967C>T (p.Arg323Cys)

Gene: FAM50A (family with sequence similarity 50 member A; plus strand). Cytogenetic location: Xq28.
Variant type: single nucleotide variant.
Coding change: c.967C>T on transcript NM_004699.4 (MANE Select); coding-DNA position 967, C replaced by T.
Protein change: p.Arg323Cys; replaces arginine 323 with cysteine.
Molecular consequence: missense variant.
Genome position (GRCh38, 1-based): chrX:154,450,275, C>T. VCF-style: chrX-154450275-C-T. GRCh37 (hg19) VCF-style: chrX-153678623-C-T.
Other names: short protein forms R323C.
Identifiers: ClinVar variation 4527374 (VCV004527374.2).